The following is an entry in ClinVar:

ClinVar aggregate classification (germline): Pathogenic (1 of 4 stars; one submission).

Conditions:
Carnitine palmitoyltransferase II deficiency. Also called: Carnitine Palmitoyltransferase 2 Deficiency. Identifiers: Orphanet 157, MedGen C0342790, MONDO:0015515.

Submission:

Labcorp Genetics (formerly Invitae), Labcorp
Classification: Pathogenic for Carnitine palmitoyltransferase II deficiency. Last evaluated: 2023-08-18. Review status: criteria provided, single submitter. Criteria: Invitae Variant Classification Sherloc (09022015). Collection method: clinical testing. Allele origin: germline.
Comment: This sequence change creates a premature translational stop signal (p.Val16Alafs*60) in the CPT2 gene. It is expected to result in an absent or disrupted protein product. Loss-of-function variants in CPT2 are known to be pathogenic (PMID: 16781677, 16996287). This variant is not present in population databases (gnomAD no frequency). This variant has not been reported in the literature in individuals affected with CPT2-related conditions. ClinVar contains an entry for this variant (Variation ID: 1458619). For these reasons, this variant has been classified as Pathogenic.

Literature cited by the submitters: PubMed 16781677; PubMed 16996287.

NM_000098.3(CPT2):c.39_46dup (p.Val16fs)

Genes: CPT2 (carnitine palmitoyltransferase 2; plus strand), LOC129930561 (ATAC-STARR-seq lymphoblastoid silent region 902; plus strand). Cytogenetic location: 1p32.3.
Variant type: Duplication.
Coding change: c.39_46dup on transcript NM_000098.3 (MANE Select); coding-DNA positions 39 to 46, 8 bases duplicated (CCCCGCGG; older notation c.39_46dupCCCCGCGG).
Protein change: p.Val16fs; shifts the reading frame from valine 16.
Molecular consequence: frameshift variant.
Genome position (GRCh38, 1-based): chr1:53,196,982-53,196,989, CCCCGCGG duplicated; duplicating any 8 consecutive bases within chr1:53,196,980-53,196,989 gives the same sequence; the c. name uses the placement nearest the transcript's 3' end. VCF-style (leftmost placement, unchanged base first): chr1-53196979-G-GGGCCCCGC. GRCh37 (hg19) VCF-style: chr1-53662651-G-GGGCCCCGC.
Other names: c.39_46dup, p.Val16fs (NM_001330589.2); short protein forms V16fs.
Identifiers: ClinVar variation 1458619 (VCV001458619.6), dbSNP rs2100254713, ClinGen allele CA2573132413.